The following is an entry in ClinVar:

ClinVar aggregate classification (germline): Uncertain significance. Review status: criteria provided, multiple submitters, no conflicts (2 of 4 stars). 5 submissions from 5 submitters: Uncertain significance (4). 1 of the submissions does not count toward it. Last evaluated 2024-03-18.

Conditions:
3-methylcrotonyl-CoA carboxylase 2 deficiency. Also called: METHYLCROTONYLGLYCINURIA, TYPE II; 3 alpha methylcrotonyl-CoA carboxylase 2 deficiency; 3 alpha methylcrotonylglycinuria 2; MCC 2 deficiency; Methylcrotonylglycinuria type 2. Identifiers: Orphanet 6, MedGen C1859499, MONDO:0008862, OMIM 210210.
Methylcrotonyl-CoA carboxylase deficiency. Also called: 3 Methylcrotonylglycinuria; Deficiency of methylcrotonoyl-CoA carboxylase; 3-MCC Deficiency. Identifiers: Orphanet 6, MedGen C4551505, MONDO:0018950.
Inborn genetic diseases. Identifiers: MedGen C0950123, MeSH D030342.

Allele frequency attached by ClinVar (database versions not stated): TOPMed 0.00004; ExAC 0.00006.
gnomAD v4.1: 18 of 1,614,016 alleles (0.0011%); highest among the groups gnomAD compares: East Asian, 0.04%; no homozygotes.

Submissions (5):

Ambry Genetics
Classification: Uncertain significance for Inborn genetic diseases. Last evaluated: 2024-03-18. Review status: criteria provided, single submitter. Criteria: Ambry Variant Classification Scheme 2023. Collection method: clinical testing. Allele origin: germline.

Women's Health and Genetics/Laboratory Corporation of America, LabCorp
Classification: Uncertain significance. Last evaluated: 2023-11-29. Review status: criteria provided, single submitter. Criteria: LabCorp Variant Classification Summary - May 2015. Collection method: clinical testing. Allele origin: germline.
Comment: Variant summary: MCCC2 c.914A>G (p.Glu305Gly) results in a non-conservative amino acid change located in the N-terminal domain (IPR011762) of the encoded protein sequence. Three of five in-silico tools predict a damaging effect of the variant on protein function. The variant allele was found at a frequency of 6.4e-05 in 251456 control chromosomes (gnomAD). This frequency is not significantly higher than estimated for a pathogenic variant in MCCC2 causing Methylcrotonyl-CoA Carboxylase Deficiency (6.4e-05 vs 0.0042), allowing no conclusion about variant significance. c.914A>G has been reported in the literature in at least one individual affected with Methylcrotonyl-CoA Carboxylase Deficiency (e.g., Cheng_2023). These data do not allow any conclusion about variant significance. To our knowledge, no experimental evidence demonstrating an impact on protein function has been reported. The following publication was ascertained in the context of this evaluation (PMID: 36822454). Three submitters have reported clinical-significance assessments for this variant to ClinVar after 2014. All submitters classified the variant as uncertain significance. Based on the evidence outlined above, the variant was classified as uncertain significance.

Revvity Omics, Revvity
Classification: Uncertain significance for 3-methylcrotonyl-CoA carboxylase 2 deficiency. Last evaluated: 2021-02-24. Review status: criteria provided, single submitter. Criteria: ACMG Guidelines, 2015. Collection method: clinical testing. Allele origin: germline.

Illumina Laboratory Services, Illumina
Classification: Uncertain significance for 3-methylcrotonyl-CoA carboxylase 2 deficiency. Last evaluated: 2018-01-12. Review status: criteria provided, single submitter. Criteria: ICSL Variant Classification Criteria 13 December 2019. Collection method: clinical testing. Allele origin: germline.

Natera, Inc.
Classification: Uncertain significance for 3-methylcrotonylglycinuria. Last evaluated: 2020-09-23. Review status: no assertion criteria provided. Collection method: clinical testing. Allele origin: germline. Not counted in ClinVar's aggregate classification.

Literature cited by the submitters: PubMed 36822454 (cited by Women's Health and Genetics/Laboratory Corporation of America, LabCorp).

NM_022132.5(MCCC2):c.914A>G (p.Glu305Gly)

Gene: MCCC2 (methylcrotonyl-CoA carboxylase subunit 2; plus strand). Cytogenetic location: 5q13.2.
Variant type: single nucleotide variant.
Coding change: c.914A>G on transcript NM_022132.5 (MANE Select); coding-DNA position 914, A replaced by G.
Protein change: p.Glu305Gly; replaces glutamic acid 305 with glycine.
Molecular consequence: missense variant.
Genome position (GRCh38, 1-based): chr5:71,635,161, A>G. VCF-style: chr5-71635161-A-G. GRCh37 (hg19) VCF-style: chr5-70930988-A-G.
Other names: c.800A>G, p.Glu267Gly (NM_001363147.1); short protein forms E267G, E305G.
Identifiers: ClinVar variation 906077 (VCV000906077.10), dbSNP rs757389984, ClinGen allele CA3297933.
Genomic context (GRCh38, chr5:71,635,161, plus strand): 5'-ACCTTGAAATCATGTCTTTAAACAGGTTAACATGATCTATATTTCTGCAGGTCACCATTG[A>G]ACCTTCTGAAGAGCCTTTATTTCCTGCTGATGAATTGTATGGAATAGTTGGTGCTAACCT-3'
Protein context (NP_071415.1, residues 295-315): NYQKKLDVTI[Glu305Gly]PSEEPLFPAD